The following is an entry in ClinVar:

ClinVar aggregate classification (germline): Uncertain significance. Review status: criteria provided, multiple submitters, no conflicts (2 of 4 stars). 2 submissions from 2 submitters: Uncertain significance (2). Last evaluated 2025-08-12.

Conditions:
Inborn genetic diseases. Identifiers: MedGen C0950123, MeSH D030342.
Rubinstein-Taybi syndrome due to EP300 haploinsufficiency. Also called: EP300-Related Rubinstein-Taybi Syndrome; RUBINSTEIN-TAYBI SYNDROME 2. Identifiers: Orphanet 353284, Orphanet 783, MedGen C3150941, MONDO:0013364, OMIM 613684.

gnomAD v4.1: 5 of 1,613,998 alleles (0.00031%); highest among the groups gnomAD compares: Non-Finnish European, 0.00025%; no homozygotes.

Submissions (2):

Ambry Genetics
Classification: Uncertain significance for Inborn genetic diseases. Last evaluated: 2025-08-12. Review status: criteria provided, single submitter. Criteria: Ambry Variant Classification Scheme 2023. Collection method: clinical testing. Allele origin: germline.

Labcorp Genetics (formerly Invitae), Labcorp
Classification: Uncertain significance for Rubinstein-Taybi syndrome due to EP300 haploinsufficiency. Last evaluated: 2025-02-24. Review status: criteria provided, single submitter. Criteria: Invitae Variant Classification Sherloc (09022015). Collection method: clinical testing. Allele origin: germline.
Comment: This sequence change replaces proline, which is neutral and non-polar, with threonine, which is neutral and polar, at codon 2203 of the EP300 protein (p.Pro2203Thr). This variant is present in population databases (no rsID available, gnomAD 0.007%). This variant has not been reported in the literature in individuals affected with EP300-related conditions. Invitae Evidence Modeling of protein sequence and biophysical properties (such as structural, functional, and spatial information, amino acid conservation, physicochemical variation, residue mobility, and thermodynamic stability) indicates that this missense variant is not expected to disrupt EP300 protein function with a negative predictive value of 80%. In summary, the available evidence is currently insufficient to determine the role of this variant in disease. Therefore, it has been classified as a Variant of Uncertain Significance.

NM_001429.4(EP300):c.6607C>A (p.Pro2203Thr)

Gene: EP300 (EP300 lysine acetyltransferase; plus strand). Cytogenetic location: 22q13.2.
Variant type: single nucleotide variant.
Coding change: c.6607C>A on transcript NM_001429.4 (MANE Select); coding-DNA position 6607, C replaced by A.
Protein change: p.Pro2203Thr; replaces proline 2203 with threonine.
Molecular consequence: missense variant.
Genome position (GRCh38, 1-based): chr22:41,178,318, C>A. VCF-style: chr22-41178318-C-A. GRCh37 (hg19) VCF-style: chr22-41574322-C-A.
Other names: c.6607C>A (NM_001429.3); c.6529C>A, p.Pro2177Thr (NM_001362843.2); short protein forms P2203T, P2177T.
Identifiers: ClinVar variation 3672050 (VCV003672050.3).